The following is an entry in ClinVar:

NM_001379500.1(COL18A1):c.2836C>G (p.Pro946Ala)

Genes: COL18A1 (collagen type XVIII alpha 1 chain; plus strand), SLC19A1 (solute carrier family 19 member 1; minus strand). Cytogenetic location: 21q22.3.
Variant type: single nucleotide variant.
Coding change: c.2836C>G on transcript NM_001379500.1 (MANE Select); coding-DNA position 2836, C replaced by G.
Protein change: p.Pro946Ala; replaces proline 946 with alanine.
Molecular consequence: missense variant.
Genome position (GRCh38, 1-based): chr21:45,504,533, C>G. VCF-style: chr21-45504533-C-G. GRCh37 (hg19) VCF-style: chr21-46924447-C-G.
Other names: c.3376C>G, p.Pro1126Ala (NM_030582.4); c.4081C>G, p.Pro1361Ala (NM_130444.3); short protein forms P1126A, P1361A, P946A.
Identifiers: ClinVar variation 2099420 (VCV002099420.1), dbSNP rs2037068111, ClinGen allele CA410499313.

ClinVar aggregate classification (germline): Uncertain significance (1 of 4 stars; one submission).

Submission:

Labcorp Genetics (formerly Invitae), Labcorp
Classification: Uncertain significance. Last evaluated: 2022-03-11. Review status: criteria provided, single submitter. Criteria: Invitae Variant Classification Sherloc (09022015). Collection method: clinical testing. Allele origin: germline.
Comment: This sequence change replaces proline, which is neutral and non-polar, with alanine, which is neutral and non-polar, at codon 946 of the COL18A1 protein (p.Pro946Ala). This variant is not present in population databases (gnomAD no frequency). This variant has not been reported in the literature in individuals affected with COL18A1-related conditions. Experimental studies and prediction algorithms are not available or were not evaluated, and the functional significance of this variant is currently unknown. In summary, the available evidence is currently insufficient to determine the role of this variant in disease. Therefore, it has been classified as a Variant of Uncertain Significance.